The following is an entry in ClinVar:

NM_198576.4(AGRN):c.4840G>A (p.Glu1614Lys)

Gene: AGRN (agrin; plus strand). Cytogenetic location: 1p36.33.
Variant type: single nucleotide variant.
Coding change: c.4840G>A on transcript NM_198576.4 (MANE Select); coding-DNA position 4840, G replaced by A.
Protein change: p.Glu1614Lys; replaces glutamic acid 1614 with lysine.
Molecular consequence: missense variant.
Genome position (GRCh38, 1-based): chr1:1,049,998, G>A. VCF-style: chr1-1049998-G-A. GRCh37 (hg19) VCF-style: chr1-985378-G-A.
Other names: p.Glu1614Lys; c.4840G>A, p.Glu1614Lys (NM_001305275.2); c.4525G>A, p.Glu1509Lys (NM_001364727.2); short protein forms E1614K, E1509K.
Identifiers: ClinVar variation 474139 (VCV000474139.38), dbSNP rs147259096, ClinGen allele CA509659.

ClinVar aggregate classification (germline): Conflicting classifications of pathogenicity. Review status: criteria provided, conflicting classifications (1 of 4 stars). 5 submissions from 5 submitters: Uncertain significance (1); Likely benign (4). Last evaluated 2025-08-27.

Conditions:
AGRN-related disorder. Also called: AGRN-related condition.
Congenital myasthenic syndrome 8. Also called: Myasthenic syndrome, congenital, 8, with pre- and postsynaptic defects; MYASTHENIC SYNDROME, CONGENITAL, DUE TO AGRIN DEFICIENCY. Identifiers: Orphanet 590, MedGen C3808739, MONDO:0014052, OMIM 615120.

Allele frequency attached by ClinVar (database versions not stated): 1000 Genomes Project 0.00040; 1000 Genomes Project 30x 0.00062; ExAC 0.00079; gnomAD exomes 0.00091 and 0.00222; ESP Exome Variant Server 0.00108; gnomAD 0.00113; TOPMed 0.00116.
gnomAD v4.1: 3,381 of 1,611,426 alleles (0.21%); highest among the groups gnomAD compares: Non-Finnish European, 0.27%; 6 homozygotes.

Submissions (5):

PreventionGenetics, part of Exact Sciences
Classification: Likely benign for AGRN-related condition. Last evaluated: 2025-08-27. Review status: criteria provided, single submitter. Criteria: ACMG Guidelines, 2015. Collection method: clinical testing. Allele origin: germline.
Comment: This variant is classified as likely benign based on ACMG/AMP sequence variant interpretation guidelines (Richards et al. 2015 PMID: 25741868, with internal and published modifications).

Mayo Clinic Laboratories, Mayo Clinic
Classification: Likely benign. Last evaluated: 2025-01-03. Review status: criteria provided, single submitter. Criteria: ACMG Guidelines, 2015. Collection method: clinical testing. Allele origin: germline. Observed: 2 variant alleles.
Comment: BS2, BP4

CeGaT Center for Human Genetics Tuebingen
Classification: Likely benign. Last evaluated: 2023-08-01. Review status: criteria provided, single submitter. Criteria: CeGaT Center For Human Genetics Tuebingen Variant Classification Criteria Version 2. Collection method: clinical testing. Allele origin: germline. Affected: yes. Observed: 1 variant allele.
Comment: AGRN: BP4

Labcorp Genetics (formerly Invitae), Labcorp
Classification: Uncertain significance for Congenital myasthenic syndrome 8. Last evaluated: 2022-11-01. Review status: criteria provided, single submitter. Criteria: Invitae Variant Classification Sherloc (09022015). Collection method: clinical testing. Allele origin: germline.
Comment: This sequence change replaces glutamic acid, which is acidic and polar, with lysine, which is basic and polar, at codon 1614 of the AGRN protein (p.Glu1614Lys). This variant is present in population databases (rs147259096, gnomAD 0.2%), and has an allele count higher than expected for a pathogenic variant. This variant has not been reported in the literature in individuals affected with AGRN-related conditions. ClinVar contains an entry for this variant (Variation ID: 474139). Algorithms developed to predict the effect of missense changes on protein structure and function (SIFT, PolyPhen-2, Align-GVGD) all suggest that this variant is likely to be tolerated. In summary, the available evidence is currently insufficient to determine the role of this variant in disease. Therefore, it has been classified as a Variant of Uncertain Significance.

GeneDx
Classification: Likely benign. Last evaluated: 2020-06-29. Review status: criteria provided, single submitter. Criteria: GeneDx Variant Classification Process June 2021. Collection method: clinical testing. Allele origin: germline. Affected: yes.
Comment: In silico analysis supports that this missense variant does not alter protein structure/function; Has not been previously published as pathogenic or benign to our knowledge